The following is an entry in ClinVar:

NM_004260.4(RECQL4):c.578G>A (p.Arg193Gln)

Gene: RECQL4 (RecQ like helicase 4; minus strand). Cytogenetic location: 8q24.3.
Variant type: single nucleotide variant.
Coding change: c.578G>A on transcript NM_004260.4 (MANE Select); coding-DNA position 578, G replaced by A.
Protein change: p.Arg193Gln; replaces arginine 193 with glutamine.
Molecular consequence: missense variant.
Genome position (GRCh38, 1-based): chr8:144,516,541, C>T on the plus strand (G>A on the coding strand, the complement: RECQL4 is on the minus strand). VCF-style: chr8-144516541-C-T. GRCh37 (hg19) VCF-style: chr8-145741925-C-T.
Other names: short protein forms R193Q.
Identifiers: ClinVar variation 528967 (VCV000528967.10), dbSNP rs747963862, ClinGen allele CA4949246.

ClinVar aggregate classification (germline): Uncertain significance. Review status: criteria provided, multiple submitters, no conflicts (2 of 4 stars). 4 submissions from 4 submitters: Uncertain significance (4). Last evaluated 2025-12-21.

Conditions:
Inborn genetic diseases. Identifiers: MedGen C0950123, MeSH D030342.
Baller-Gerold syndrome (BGS). Also called: CRANIOSYNOSTOSIS WITH RADIAL DEFECTS. Identifiers: Orphanet 1225, MedGen C0265308, MONDO:0009039, OMIM 218600.

Allele frequency attached by ClinVar (database versions not stated): gnomAD 0.00001; ExAC 0.00002; TOPMed 0.00002.
gnomAD v4.1: 21 of 1,609,808 alleles (0.0013%); highest among the groups gnomAD compares: Admixed American, 0.0067%; no homozygotes.

Submissions (4):

Labcorp Genetics (formerly Invitae), Labcorp
Classification: Uncertain significance for Baller-Gerold syndrome. Last evaluated: 2025-12-21. Review status: criteria provided, single submitter. Criteria: Invitae Variant Classification Sherloc (09022015). Collection method: clinical testing. Allele origin: germline.
Comment: This sequence change replaces arginine, which is basic and polar, with glutamine, which is neutral and polar, at codon 193 of the RECQL4 protein (p.Arg193Gln). This variant is present in population databases (rs747963862, gnomAD 0.009%). This variant has not been reported in the literature in individuals affected with RECQL4-related conditions. ClinVar contains an entry for this variant (Variation ID: 528967). Invitae Evidence Modeling of protein sequence and biophysical properties (such as structural, functional, and spatial information, amino acid conservation, physicochemical variation, residue mobility, and thermodynamic stability) indicates that this missense variant is not expected to disrupt RECQL4 protein function with a negative predictive value of 80%. In summary, the available evidence is currently insufficient to determine the role of this variant in disease. Therefore, it has been classified as a Variant of Uncertain Significance.

Ambry Genetics
Classification: Uncertain significance for Inborn genetic diseases. Last evaluated: 2024-11-22. Review status: criteria provided, single submitter. Criteria: Ambry Variant Classification Scheme 2023. Collection method: clinical testing. Allele origin: germline.
Comment: The p.R193Q variant (also known as c.578G>A), located in coding exon 5 of the RECQL4 gene, results from a G to A substitution at nucleotide position 578. The arginine at codon 193 is replaced by glutamine, an amino acid with highly similar properties. This amino acid position is conserved. In addition, the in silico prediction for this alteration is inconclusive. Based on the available evidence, the clinical significance of this variant remains unclear.

GeneDx
Classification: Uncertain significance. Last evaluated: 2024-06-18. Review status: criteria provided, single submitter. Criteria: GeneDx Variant Classification Process June 2021. Collection method: clinical testing. Allele origin: germline. Affected: yes.
Comment: In silico analysis supports that this missense variant has a deleterious effect on protein structure/function; Has not been previously published as pathogenic or benign to our knowledge

Baylor Genetics
Classification: Uncertain significance for Baller-Gerold syndrome. Last evaluated: 2019-09-27. Review status: criteria provided, single submitter. Criteria: ACMG Guidelines, 2015. Collection method: clinical testing. Allele origin: unknown. Affected: yes.
Comment: This variant was determined to be of uncertain significance according to ACMG Guidelines, 2015 [PMID:25741868].